The following is an entry in ClinVar:

ClinVar aggregate classification (germline): Uncertain significance. Review status: criteria provided, multiple submitters, no conflicts (2 of 4 stars). 2 submissions from 2 submitters: Uncertain significance (2). Last evaluated 2020-06-24.

Conditions:
Muscular dystrophy-dystroglycanopathy (congenital with brain and eye anomalies), type A, 7. Also called: WALKER-WARBURG SYNDROME OR MUSCLE-EYE-BRAIN DISEASE, ISPD-RELATED; Congenital muscular dystrophy-dystroglycanopathy with brain and eye anomalies, type A7. Identifiers: Orphanet 899, MedGen C3553330, MONDO:0013835, OMIM 614643.
Autosomal recessive limb-girdle muscular dystrophy type 2U. Also called: MUSCULAR DYSTROPHY, LIMB-GIRDLE, TYPE 2U; Muscular dystrophy-dystroglycanopathy (limb-girdle), type c, 7. Identifiers: Orphanet 352479, MedGen C5190987, MONDO:0014474, OMIM 616052.

Allele frequency attached by ClinVar (database versions not stated): TOPMed below 0.00001; gnomAD 0.00001.

Submissions (2):

Labcorp Genetics (formerly Invitae), Labcorp
Classification: Uncertain significance for Muscular dystrophy-dystroglycanopathy (congenital with brain and eye anomalies), type A, 7; Autosomal recessive limb-girdle muscular dystrophy type 2U. Last evaluated: 2020-06-24. Review status: criteria provided, single submitter. Criteria: Invitae Variant Classification Sherloc (09022015). Collection method: clinical testing. Allele origin: germline.
Comment: The frequency data for this variant in the population databases is considered unreliable, as metrics indicate insufficient coverage at this position in the ExAC database. This sequence change replaces valine with methionine at codon 47 of the ISPD protein (p.Val47Met). The valine residue is highly conserved and there is a small physicochemical difference between valine and methionine. This variant has not been reported in the literature in individuals with ISPD-related conditions. ClinVar contains an entry for this variant (Variation ID: 288631). In summary, the available evidence is currently insufficient to determine the role of this variant in disease. Therefore, it has been classified as a Variant of Uncertain Significance. Algorithms developed to predict the effect of missense changes on protein structure and function are either unavailable or do not agree on the potential impact of this missense change (SIFT: "Deleterious"; PolyPhen-2: "Probably Damaging"; Align-GVGD: "Class C0").

Eurofins Ntd Llc (ga)
Classification: Uncertain significance. Last evaluated: 2016-06-08. Review status: criteria provided, single submitter. Criteria: EGL Classification Definitions 2015. Collection method: clinical testing. Allele origin: germline. Observed: 1 variant allele, 1 heterozygote.

NM_001101426.4(CRPPA):c.139G>A (p.Val47Met)

Genes: CRPPA (CDP-L-ribitol pyrophosphorylase A; minus strand), LOC129998004 (ATAC-STARR-seq lymphoblastoid silent region 17981; plus strand). Cytogenetic location: 7p21.2.
Variant type: single nucleotide variant.
Coding change: c.139G>A on transcript NM_001101426.4 (MANE Select); coding-DNA position 139, G replaced by A.
Protein change: p.Val47Met; replaces valine 47 with methionine.
Molecular consequence: missense variant. On other transcripts: non-coding transcript variant (1).
Genome position (GRCh38, 1-based): chr7:16,421,184, C>T on the plus strand (G>A on the coding strand, the complement: CRPPA is on the minus strand). VCF-style: chr7-16421184-C-T. GRCh37 (hg19) VCF-style: chr7-16460809-C-T.
Other names: c.139G>A, p.Val47Met (NM_001101417.4, NM_001368197.1); short protein forms V47M.
Identifiers: ClinVar variation 288631 (VCV000288631.13), dbSNP rs886043960, ClinGen allele CA10606164.
Genomic context (GRCh38, chr7:16,421,184, plus strand): 5'-GCTTCGGGGTGGGGACCCCCATCCTCTCCCCGCACCCCCCGGCAGGCAACACAGCTGCCA[C>T]GGCTTGCGGGTGGCGCCCGGGCTCGGTCCCGGCCACGCTCTGCAGGGAGGCGGAAGCCGT-3'
Protein context (NP_001094896.1, residues 37-57): GTEPGRHPQA[Val47Met]AAVLPAGGCG